The following is an entry in ClinVar:

NM_001379500.1(COL18A1):c.1654A>G (p.Thr552Ala)

Gene: COL18A1 (collagen type XVIII alpha 1 chain; plus strand). Cytogenetic location: 21q22.3.
Variant type: single nucleotide variant.
Coding change: c.1654A>G on transcript NM_001379500.1 (MANE Select); coding-DNA position 1654, A replaced by G.
Protein change: p.Thr552Ala; replaces threonine 552 with alanine.
Molecular consequence: missense variant.
Genome position (GRCh38, 1-based): chr21:45,482,005, A>G. VCF-style: chr21-45482005-A-G. GRCh37 (hg19) VCF-style: chr21-46901919-A-G.
Other names: c.2194A>G, p.Thr732Ala (NM_030582.4); c.2899A>G, p.Thr967Ala (NM_130444.3); short protein forms T967A, T552A, T732A.
Identifiers: ClinVar variation 1953185 (VCV001953185.5), dbSNP rs2517633564, ClinGen allele CA410518716.

ClinVar aggregate classification (germline): Uncertain significance (1 of 4 stars; one submission).

Submission:

Labcorp Genetics (formerly Invitae), Labcorp
Classification: Uncertain significance. Last evaluated: 2023-10-13. Review status: criteria provided, single submitter. Criteria: Invitae Variant Classification Sherloc (09022015). Collection method: clinical testing. Allele origin: germline.
Comment: This sequence change replaces threonine, which is neutral and polar, with alanine, which is neutral and non-polar, at codon 552 of the COL18A1 protein (p.Thr552Ala). This variant is not present in population databases (gnomAD no frequency). This variant has not been reported in the literature in individuals affected with COL18A1-related conditions. ClinVar contains an entry for this variant (Variation ID: 1953185). Experimental studies and prediction algorithms are not available or were not evaluated, and the functional significance of this variant is currently unknown. In summary, the available evidence is currently insufficient to determine the role of this variant in disease. Therefore, it has been classified as a Variant of Uncertain Significance.